The following is an entry in ClinVar:

NM_001127222.2(CACNA1A):c.1123G>C (p.Ala375Pro)

Gene: CACNA1A (calcium voltage-gated channel subunit alpha1 A; minus strand). Cytogenetic location: 19p13.13.
Variant type: single nucleotide variant.
Coding change: c.1123G>C on transcript NM_001127222.2 (MANE Select); coding-DNA position 1123, G replaced by C.
Protein change: p.Ala375Pro; replaces alanine 375 with proline.
Molecular consequence: missense variant.
Genome position (GRCh38, 1-based): chr19:13,334,453, C>G on the plus strand (G>C on the coding strand, the complement: CACNA1A is on the minus strand). VCF-style: chr19-13334453-C-G. GRCh37 (hg19) VCF-style: chr19-13445267-C-G.
Other names: c.1123G>C, p.Ala375Pro (NM_000068.4, NM_001127221.2, NM_001174080.2 and 1 more transcripts); short protein forms A375P.
Identifiers: ClinVar variation 3778746 (VCV003778746.1).

ClinVar aggregate classification (germline): Uncertain significance (1 of 4 stars; one submission).

Conditions:
Alternating hemiplegia of childhood 1 (AHC1). Identifiers: Orphanet 2131, MedGen C3549447, MONDO:0007087, OMIM 104290.

Submission:

Institute of Human Genetics, University of Leipzig Medical Center
Classification: Uncertain significance for Alternating hemiplegia of childhood 1. Last evaluated: 2025-04-07. Review status: criteria provided, single submitter. Criteria: ACMG Guidelines, 2015. Collection method: clinical testing. Allele origin: unknown. Inheritance: Autosomal dominant inheritance. Affected: yes.
Comment: Criteria applied: PM2,PP2,PP3